The following is an entry in ClinVar:

ClinVar aggregate classification (germline): Uncertain significance. Review status: criteria provided, multiple submitters, no conflicts (2 of 4 stars). 4 submissions from 4 submitters: Uncertain significance (3). 1 of the submissions does not count toward it. Last evaluated 2026-01-10.

Conditions:
Hereditary breast ovarian cancer syndrome. Also called: Hereditary breast and ovarian cancer syndrome; Hereditary breast and ovarian cancer; Hereditary breast and ovarian cancer syndrome (HBOC); Breast and ovarian cancer; Hereditary breast and/or ovarian cancer syndrome; BRCA1- and BRCA2-Associated Hereditary Breast and Ovarian Cancer. Identifiers: Orphanet 145, MedGen C0677776, MeSH D061325, MONDO:0003582. Disease mechanism: loss of function.
Hereditary cancer-predisposing syndrome. Also called: Neoplastic Syndromes, Hereditary; Tumor predisposition; Hereditary neoplastic syndrome; Hereditary Cancer Syndrome. Identifiers: Orphanet 140162, MedGen C0027672, MeSH D009386, MONDO:0015356.
Breast-ovarian cancer, familial, susceptibility to, 2 (BROVCA2). Also called: BRCA2 Hereditary Breast and Ovarian Cancer. Identifiers: Orphanet 145, MedGen C2675520, MONDO:0012933, OMIM 612555. Disease mechanism: loss of function.

Allele frequency attached by ClinVar (database versions not stated): gnomAD exomes below 0.00001.

Submissions (4):

Labcorp Genetics (formerly Invitae), Labcorp
Classification: Uncertain significance for Hereditary breast ovarian cancer syndrome. Last evaluated: 2026-01-10. Review status: criteria provided, single submitter. Criteria: Invitae Variant Classification Sherloc (09022015). Collection method: clinical testing. Allele origin: germline.
Comment: This sequence change replaces arginine, which is basic and polar, with serine, which is neutral and polar, at codon 3276 of the BRCA2 protein (p.Arg3276Ser). This variant is not present in population databases (gnomAD no frequency). This missense change has been observed in individual(s) with breast cancer (PMID: 32438681). ClinVar contains an entry for this variant (Variation ID: 52904). Invitae Evidence Modeling of protein sequence and biophysical properties (such as structural, functional, and spatial information, amino acid conservation, physicochemical variation, residue mobility, and thermodynamic stability) indicates that this missense variant is not expected to disrupt BRCA2 protein function with a negative predictive value of 95%. In summary, the available evidence is currently insufficient to determine the role of this variant in disease. Therefore, it has been classified as a Variant of Uncertain Significance.

Ambry Genetics
Classification: Uncertain significance for Hereditary cancer-predisposing syndrome. Last evaluated: 2025-07-14. Review status: criteria provided, single submitter. Criteria: Ambry Variant Classification Scheme 2023. Collection method: clinical testing. Allele origin: germline.
Comment: The p.R3276S variant (also known as c.9828A>T), located in coding exon 26 of the BRCA2 gene, results from an A to T substitution at nucleotide position 9828. The arginine at codon 3276 is replaced by serine, an amino acid with dissimilar properties. This amino acid position is well conserved in available vertebrate species. In addition, this alteration is predicted to be tolerated by in silico analysis. Based on the available evidence, the clinical significance of this variant remains unclear.

Color Diagnostics, LLC DBA Color Health
Classification: Uncertain significance for Hereditary cancer-predisposing syndrome. Last evaluated: 2019-03-21. Review status: criteria provided, single submitter. Criteria: ACMG Guidelines, 2015. Collection method: clinical testing. Allele origin: germline.

Breast Cancer Information Core (BIC) (BRCA2)
Classification: Uncertain significance for Breast-ovarian cancer, familial 2. Last evaluated: 1998-11-30. Review status: no assertion criteria provided. Collection method: clinical testing. Allele origin: germline. Affected: yes. Observed: 1 variant allele. Not counted in ClinVar's aggregate classification.

Literature cited by the submitters: PubMed 32438681 (cited by Labcorp Genetics (formerly Invitae), Labcorp); PubMed 9971877 (cited by Ambry Genetics).

NM_000059.4(BRCA2):c.9828A>T (p.Arg3276Ser)

Gene: BRCA2 (BRCA2 DNA repair associated; plus strand). Cytogenetic location: 13q13.1.
Variant type: single nucleotide variant.
Coding change: c.9828A>T on transcript NM_000059.4 (MANE Select); coding-DNA position 9828, A replaced by T.
Protein change: p.Arg3276Ser; replaces arginine 3276 with serine.
Molecular consequence: missense variant.
Genome position (GRCh38, 1-based): chr13:32,398,341, A>T. VCF-style: chr13-32398341-A-T. GRCh37 (hg19) VCF-style: chr13-32972478-A-T.
Other names: short protein forms R3276S.
Identifiers: ClinVar variation 52904 (VCV000052904.17), dbSNP rs80359245, ClinGen allele CA026308.